The following is an entry in ClinVar:

NM_001127496.3(SPRY4):c.-25C>T

Gene: SPRY4 (sprouty RTK signaling antagonist 4; minus strand). Cytogenetic location: 5q31.3.
Variant type: single nucleotide variant.
Coding change: c.-25C>T on transcript NM_001127496.3 (MANE Select); 25 bases upstream of the start codon, C replaced by T.
Molecular consequence: 5 prime UTR variant. On other transcripts: synonymous variant (1).
Genome position (GRCh38, 1-based): chr5:142,315,133, G>A on the plus strand (C>T on the coding strand, the complement: SPRY4 is on the minus strand). VCF-style: chr5-142315133-G-A. GRCh37 (hg19) VCF-style: chr5-141694698-G-A.
Other names: c.-25C>T (NM_001293289.3, NM_001293290.3); c.45C>T, p.Ser15= (NM_030964.5); c.45C>T (NM_030964.3).
Identifiers: ClinVar variation 1598918 (VCV001598918.9), dbSNP rs764075141, ClinGen allele CA3485647.

ClinVar aggregate classification (germline): Benign/Likely benign. Review status: criteria provided, multiple submitters, no conflicts (2 of 4 stars). 2 submissions from 2 submitters: Benign (1); Likely benign (1). Last evaluated 2025-04-29.

Conditions:
SPRY4-related disorder. Also called: SPRY4-related condition.

Allele frequency attached by ClinVar (database versions not stated): gnomAD 0.00007 and 0.00009; gnomAD exomes 0.00008 and 0.00013; ExAC 0.00014.
gnomAD v4.1: 130 of 1,600,482 alleles (0.0081%); highest among the groups gnomAD compares: Middle Eastern, 0.033%; no homozygotes.

Submissions (2):

PreventionGenetics, part of Exact Sciences
Classification: Likely benign for SPRY4-related condition. Last evaluated: 2025-04-29. Review status: criteria provided, single submitter. Criteria: ACMG Guidelines, 2015. Collection method: clinical testing. Allele origin: germline.
Comment: This variant is classified as likely benign based on ACMG/AMP sequence variant interpretation guidelines (Richards et al. 2015 PMID: 25741868, with internal and published modifications).

Labcorp Genetics (formerly Invitae), Labcorp
Classification: Benign. Last evaluated: 2022-03-19. Review status: criteria provided, single submitter. Criteria: Invitae Variant Classification Sherloc (09022015). Collection method: clinical testing. Allele origin: germline.